The following is an entry in ClinVar:

NM_030948.6(PHACTR1):c.1392-4G>A

Genes: PHACTR1 (phosphatase and actin regulator 1; plus strand), TBC1D7-LOC100130357 (TBC1D7-LOC100130357 readthrough; minus strand). Cytogenetic location: 6p24.1.
Variant type: single nucleotide variant.
Coding change: c.1392-4G>A on transcript NM_030948.6 (MANE Select); 4 bases into the intron before coding-DNA position 1392, G replaced by A.
Molecular consequence: intron variant.
Genome position (GRCh38, 1-based): chr6:13,272,856, G>A. VCF-style: chr6-13272856-G-A. GRCh37 (hg19) VCF-style: chr6-13273088-G-A.
Other names: c.1392-4G>A (NM_001242648.4, NM_001374581.2, NM_001322308.3 and 1 more transcripts); c.1599-4G>A (NM_001322310.2); c.1323-4G>A (NM_001322313.2); c.1116-4G>A (NM_001322312.3, NM_001322311.2, NM_001374583.2); c.1602-4G>A (NM_001322314.4); c.*40-5021C>T (NM_001318809.2).
Identifiers: ClinVar variation 2656241 (VCV002656241.24), dbSNP rs185255302, ClinGen allele CA3639359.

ClinVar aggregate classification (germline): Benign (1 of 4 stars; one submission).

Allele frequency attached by ClinVar (database versions not stated): gnomAD 0.00225; gnomAD exomes 0.00225; 1000 Genomes Project 30x 0.00250; ExAC 0.00408; TOPMed 0.00210; 1000 Genomes Project 0.00220; ESP Exome Variant Server 0.00225.
gnomAD v4.1: 3,724 of 1,614,048 alleles (0.23%); highest among the groups gnomAD compares: Middle Eastern, 1.9%; 34 homozygotes.

Submission:

CeGaT Center for Human Genetics Tuebingen
Classification: Benign. Last evaluated: 2026-09-01. Review status: criteria provided, single submitter. Criteria: CeGaT Center For Human Genetics Tuebingen Variant Classification Criteria Version 2. Collection method: clinical testing. Allele origin: germline. Affected: yes. Observed: 13 variant alleles.
Comment: PHACTR1: BP4, BS1, BS2